The following is an entry in ClinVar:

ClinVar aggregate classification (germline): Uncertain significance. Review status: criteria provided, multiple submitters, no conflicts (2 of 4 stars). 3 submissions from 3 submitters: Uncertain significance (2). 1 of the submissions does not count toward it. Last evaluated 2025-07-31.

Conditions:
WDPCP-related disorder. Also called: WDPCP-related condition.
Inborn genetic diseases. Identifiers: MedGen C0950123, MeSH D030342.
Bardet-Biedl syndrome (BBS). Identifiers: Orphanet 110, MedGen C0752166, MONDO:0015229.

Allele frequency attached by ClinVar (database versions not stated): gnomAD 0.00001; gnomAD exomes 0.00002; TOPMed 0.00002; ExAC 0.00008.

Submissions (3):

Ambry Genetics
Classification: Uncertain significance for Inborn genetic diseases. Last evaluated: 2025-07-31. Review status: criteria provided, single submitter. Criteria: Ambry Variant Classification Scheme 2023. Collection method: clinical testing. Allele origin: germline.

Labcorp Genetics (formerly Invitae), Labcorp
Classification: Uncertain significance for Bardet-Biedl syndrome. Last evaluated: 2022-08-07. Review status: criteria provided, single submitter. Criteria: Invitae Variant Classification Sherloc (09022015). Collection method: clinical testing. Allele origin: germline.
Comment: In summary, the available evidence is currently insufficient to determine the role of this variant in disease. Therefore, it has been classified as a Variant of Uncertain Significance. Algorithms developed to predict the effect of missense changes on protein structure and function output the following: SIFT: "Deleterious"; PolyPhen-2: "Benign"; Align-GVGD: "Class C0". The phenylalanine amino acid residue is found in multiple mammalian species, which suggests that this missense change does not adversely affect protein function. ClinVar contains an entry for this variant (Variation ID: 1016216). This variant has not been reported in the literature in individuals affected with WDPCP-related conditions. The frequency data for this variant in the population databases is considered unreliable, as metrics indicate poor data quality at this position in the gnomAD database. This sequence change replaces serine, which is neutral and polar, with phenylalanine, which is neutral and non-polar, at codon 19 of the WDPCP protein (p.Ser19Phe).

PreventionGenetics, part of Exact Sciences
Classification: Uncertain significance for WDPCP-related condition. Last evaluated: 2024-03-15. Review status: no assertion criteria provided. Collection method: clinical testing. Allele origin: germline. Not counted in ClinVar's aggregate classification.
Comment: The WDPCP c.56C>T variant is predicted to result in the amino acid substitution p.Ser19Phe. To our knowledge, this variant has not been reported in the literature. This variant is reported in 0.0039% of alleles in individuals of European (Non-Finnish) descent in gnomAD. At this time, the clinical significance of this variant is uncertain due to the absence of conclusive functional and genetic evidence.

NM_015910.7(WDPCP):c.56C>T (p.Ser19Phe)

Gene: WDPCP (WD repeat containing planar cell polarity effector; minus strand). Cytogenetic location: 2p15.
Variant type: single nucleotide variant.
Coding change: c.56C>T on transcript NM_015910.7 (MANE Select); coding-DNA position 56, C replaced by T.
Protein change: p.Ser19Phe; replaces serine 19 with phenylalanine.
Molecular consequence: missense variant. On other transcripts: 5 prime UTR variant (1), non-coding transcript variant (2).
Genome position (GRCh38, 1-based): chr2:63,588,216, G>A on the plus strand (C>T on the coding strand, the complement: WDPCP is on the minus strand). VCF-style: chr2-63588216-G-A. GRCh37 (hg19) VCF-style: chr2-63815350-G-A.
Other names: c.56C>T (NM_015910.5); c.-269C>T (NM_001354044.2); c.56C>T, p.Ser19Phe (NM_001354045.2); short protein forms S19F.
Identifiers: ClinVar variation 1016216 (VCV001016216.10), dbSNP rs781606829, ClinGen allele CA1682654.